The following is an entry in ClinVar:

NM_005540.3(INPP5B):c.136G>A (p.Gly46Ser)

Gene: INPP5B (inositol polyphosphate-5-phosphatase B; minus strand). Cytogenetic location: 1p34.3.
Variant type: single nucleotide variant.
Coding change: c.136G>A on transcript NM_005540.3 (MANE Select); coding-DNA position 136, G replaced by A.
Protein change: p.Gly46Ser; replaces glycine 46 with serine.
Molecular consequence: missense variant. On other transcripts: synonymous variant (1), 5 prime UTR variant (3), non-coding transcript variant (3).
Genome position (GRCh38, 1-based): chr1:37,945,772, C>T on the plus strand (G>A on the coding strand, the complement: INPP5B is on the minus strand). VCF-style: chr1-37945772-C-T. GRCh37 (hg19) VCF-style: chr1-38411444-C-T.
Other names: c.136G>A, p.Gly46Ser (NM_001365820.1, NM_001365821.1); c.168G>A, p.Thr56= (NM_001365822.1); c.-239G>A (NM_001365823.1); c.-242G>A (NM_001365824.1); c.-124G>A (NM_001365825.1); short protein forms G46S.
Identifiers: ClinVar variation 782372 (VCV000782372.8), dbSNP rs56993041, ClinGen allele CA776439.

ClinVar aggregate classification (germline): Benign. Review status: criteria provided, multiple submitters, no conflicts (2 of 4 stars). 4 submissions from 4 submitters: Benign (3). 1 of the submissions does not count toward it. Last evaluated 2021-05-04.

Conditions:
INPP5B-related disorder. Also called: INPP5B-related condition.

Allele frequency attached by ClinVar (database versions not stated): gnomAD 0.02537 and 0.02377; ESP Exome Variant Server 0.02718; 1000 Genomes Project 0.02855; 1000 Genomes Project 30x 0.03107; TOPMed 0.02655.
gnomAD v4.1: 7,015 of 1,613,902 alleles (0.43%); highest among the groups gnomAD compares: African/African-American, 8.3%; 284 homozygotes.

Submissions (4):

GeneDx
Classification: Benign. Last evaluated: 2021-05-04. Review status: criteria provided, single submitter. Criteria: GeneDx Variant Classification Process June 2021. Collection method: clinical testing. Allele origin: germline. Affected: yes.

Labcorp Genetics (formerly Invitae), Labcorp
Classification: Benign. Last evaluated: 2018-11-06. Review status: criteria provided, single submitter. Criteria: Invitae Variant Classification Sherloc (09022015). Collection method: clinical testing. Allele origin: germline.

Breakthrough Genomics
Classification: Benign. Review status: criteria provided, single submitter. Criteria: ACMG Guidelines, 2015. Collection method: not provided. Allele origin: germline. Inheritance: Unknown mechanism. Affected: yes.

PreventionGenetics, part of Exact Sciences
Classification: Benign for INPP5B-related condition. Last evaluated: 2019-11-25. Review status: no assertion criteria provided. Collection method: clinical testing. Allele origin: germline. Not counted in ClinVar's aggregate classification.
Comment: This variant is classified as benign based on ACMG/AMP sequence variant interpretation guidelines (Richards et al. 2015 PMID: 25741868, with internal and published modifications).